The following is an entry in ClinVar:

ClinVar aggregate classification (germline): Uncertain significance (1 of 4 stars; one submission).

Allele frequency attached by ClinVar (database versions not stated): gnomAD exomes below 0.00001.
gnomAD v4.1: 6 of 1,614,178 alleles (0.00037%); highest among the groups gnomAD compares: Non-Finnish European, 0.00051%; no homozygotes.

Submission:

Labcorp Genetics (formerly Invitae), Labcorp
Classification: Uncertain significance. Last evaluated: 2021-05-17. Review status: criteria provided, single submitter. Criteria: Invitae Variant Classification Sherloc (09022015). Collection method: clinical testing. Allele origin: germline.
Comment: In summary, the available evidence is currently insufficient to determine the role of this variant in disease. Therefore, it has been classified as a Variant of Uncertain Significance. Algorithms developed to predict the effect of missense changes on protein structure and function (SIFT, PolyPhen-2, Align-GVGD) all suggest that this variant is likely to be tolerated, but these predictions have not been confirmed by published functional studies and their clinical significance is uncertain. This variant has not been reported in the literature in individuals with CNNM4-related conditions. This variant is not present in population databases (ExAC no frequency). This sequence change replaces phenylalanine with isoleucine at codon 590 of the CNNM4 protein (p.Phe590Ile). The phenylalanine residue is moderately conserved and there is a small physicochemical difference between phenylalanine and isoleucine.

NM_020184.4(CNNM4):c.1768T>A (p.Phe590Ile)

Gene: CNNM4 (cyclin and CBS domain divalent metal cation transport mediator 4; plus strand). Cytogenetic location: 2q11.2.
Variant type: single nucleotide variant.
Coding change: c.1768T>A on transcript NM_020184.4 (MANE Select); coding-DNA position 1768, T replaced by A.
Protein change: p.Phe590Ile; replaces phenylalanine 590 with isoleucine.
Molecular consequence: missense variant.
Genome position (GRCh38, 1-based): chr2:96,799,143, T>A. VCF-style: chr2-96799143-T-A. GRCh37 (hg19) VCF-style: chr2-97464880-T-A.
Other names: short protein forms F590I.
Identifiers: ClinVar variation 1354270 (VCV001354270.8), dbSNP rs1347038466, ClinGen allele CA347704774.